The following is an entry in ClinVar:

NM_000396.4(CTSK):c.600del (p.Tyr201fs)

Gene: CTSK (cathepsin K; minus strand). Cytogenetic location: 1q21.3.
Variant type: Deletion.
Coding change: c.600del on transcript NM_000396.4 (MANE Select); coding-DNA position 600, one base deleted (C; older notation c.600delC).
Protein change: p.Tyr201fs; shifts the reading frame from tyrosine 201.
Molecular consequence: frameshift variant.
Genome position (GRCh38, 1-based): chr1:150,804,039, G deleted on the plus strand (C on the coding strand, the reverse complement: CTSK is on the minus strand); the first of 2 consecutive G bases (chr1:150,804,039-150,804,040); deleting either gives the same sequence. VCF-style (leftmost placement, unchanged base first): chr1-150804038-AG-A. GRCh37 (hg19) VCF-style: chr1-150776514-AG-A.
Other names: short protein forms Y201fs.
Identifiers: ClinVar variation 2692807 (VCV002692807.3), dbSNP rs2525173632, ClinGen allele CA2697554533.

ClinVar aggregate classification (germline): Pathogenic (1 of 4 stars; one submission).

Submission:

Labcorp Genetics (formerly Invitae), Labcorp
Classification: Pathogenic. Last evaluated: 2023-06-05. Review status: criteria provided, single submitter. Criteria: Invitae Variant Classification Sherloc (09022015). Collection method: clinical testing. Allele origin: germline.
Comment: This variant has not been reported in the literature in individuals affected with CTSK-related conditions. This variant is not present in population databases (gnomAD no frequency). For these reasons, this variant has been classified as Pathogenic. This sequence change creates a premature translational stop signal (p.Tyr201Thrfs*35) in the CTSK gene. It is expected to result in an absent or disrupted protein product. Loss-of-function variants in CTSK are known to be pathogenic (PMID: 12125807, 21569238).

Literature cited by the submitters: PubMed 12125807; PubMed 21569238.